The following is an entry in ClinVar:

ClinVar aggregate classification (germline): Conflicting classifications of pathogenicity. Review status: criteria provided, conflicting classifications (1 of 4 stars). 2 submissions from 2 submitters: Uncertain significance (1); Benign (1). Last evaluated 2026-01-12.

Allele frequency attached by ClinVar (database versions not stated): TOPMed 0.00001; gnomAD 0.00005; gnomAD exomes 0.00010; ExAC 0.00025.
gnomAD v4.1: 154 of 1,613,816 alleles (0.0095%); highest among the groups gnomAD compares: South Asian, 0.15%; 3 homozygotes.

Submissions (2):

Labcorp Genetics (formerly Invitae), Labcorp
Classification: Uncertain significance. Last evaluated: 2026-01-12. Review status: criteria provided, single submitter. Criteria: Invitae Variant Classification Sherloc (09022015). Collection method: clinical testing. Allele origin: germline.
Comment: This sequence change replaces lysine, which is basic and polar, with arginine, which is basic and polar, at codon 20 of the FAT2 protein (p.Lys20Arg). This variant is present in population databases (rs766681033, gnomAD 0.2%), and has an allele count higher than expected for a pathogenic variant. This variant has not been reported in the literature in individuals affected with FAT2-related conditions. ClinVar contains an entry for this variant (Variation ID: 2420656). An algorithm developed to predict the effect of missense changes on protein structure and function outputs the following: PolyPhen-2: "Benign". The arginine amino acid residue is found in multiple mammalian species, which suggests that this missense change does not adversely affect protein function. In summary, the available evidence is currently insufficient to determine the role of this variant in disease. Therefore, it has been classified as a Variant of Uncertain Significance.

CeGaT Center for Human Genetics Tuebingen
Classification: Benign. Last evaluated: 2022-08-01. Review status: criteria provided, single submitter. Criteria: CeGaT Center For Human Genetics Tuebingen Variant Classification Criteria Version 2. Collection method: clinical testing. Allele origin: germline. Affected: yes. Observed: 2 variant alleles.
Comment: FAT2: BS1, BS2

NM_001447.3(FAT2):c.59A>G (p.Lys20Arg)

Gene: FAT2 (FAT atypical cadherin 2; minus strand). Cytogenetic location: 5q33.1.
Variant type: single nucleotide variant.
Coding change: c.59A>G on transcript NM_001447.3 (MANE Select); coding-DNA position 59, A replaced by G.
Protein change: p.Lys20Arg; replaces lysine 20 with arginine.
Molecular consequence: missense variant.
Genome position (GRCh38, 1-based): chr5:151,568,873, T>C on the plus strand (A>G on the coding strand, the complement: FAT2 is on the minus strand). VCF-style: chr5-151568873-T-C. GRCh37 (hg19) VCF-style: chr5-150948434-T-C.
Other names: short protein forms K20R.
Identifiers: ClinVar variation 2420656 (VCV002420656.30), dbSNP rs766681033, ClinGen allele CA3522496.